The following is an entry in ClinVar:

ClinVar aggregate classification (germline): Uncertain significance (1 of 4 stars; one submission).

Conditions:
Cystic fibrosis (CF). Also called: MUCOVISCIDOSIS. Identifiers: Orphanet 586, MedGen C0010674, MONDO:0009061, OMIM 219700. Disease mechanism: loss of function.

Submission:

Ambry Genetics
Classification: Uncertain significance for Cystic fibrosis. Last evaluated: 2024-03-15. Review status: criteria provided, single submitter. Criteria: Ambry Variant Classification Scheme 2023. Collection method: clinical testing. Allele origin: germline.
Comment: The p.A141P variant (also known as c.421G>C), located in coding exon 4 of the CFTR gene, results from a G to C substitution at nucleotide position 421. The alanine at codon 141 is replaced by proline, an amino acid with highly similar properties. This amino acid position is conserved. In addition, this alteration is predicted to be deleterious by in silico analysis. Based on the available evidence, the clinical significance of this alteration remains unclear.

NM_000492.4(CFTR):c.421G>C (p.Ala141Pro)

Gene: CFTR (CF transmembrane conductance regulator; plus strand). Cytogenetic location: 7q31.2.
Variant type: single nucleotide variant.
Coding change: c.421G>C on transcript NM_000492.4 (MANE Select); coding-DNA position 421, G replaced by C.
Protein change: p.Ala141Pro; replaces alanine 141 with proline.
Molecular consequence: missense variant.
Genome position (GRCh38, 1-based): chr7:117,531,046, G>C. VCF-style: chr7-117531046-G-C. GRCh37 (hg19) VCF-style: chr7-117171100-G-C.
Other names: short protein forms A141P.
Identifiers: ClinVar variation 3266624 (VCV003266624.1).